The following is an entry in ClinVar:

ClinVar aggregate classification (germline): Likely pathogenic (1 of 4 stars; one submission).

Conditions:
Jeune thoracic dystrophy. Also called: Jeune syndrome; Infantile thoracic dystrophy; Thoracic pelvic phalangeal dystrophy; Jeune's syndrome; Chondroectodermal dysplasia-like syndrome; Short-rib thoracic dysplasia. Identifiers: Orphanet 474, MedGen C0265275, MONDO:0018770.

gnomAD v4.1: 1 of 1,552,892 alleles (0.000064%); no homozygotes.

Submission:

Labcorp Genetics (formerly Invitae), Labcorp
Classification: Likely pathogenic for Jeune thoracic dystrophy. Last evaluated: 2025-03-22. Review status: criteria provided, single submitter. Criteria: Invitae Variant Classification Sherloc (09022015). Collection method: clinical testing. Allele origin: germline.
Comment: This sequence change affects an acceptor splice site in intron 67 of the DYNC2H1 gene. It is expected to disrupt RNA splicing. Variants that disrupt the donor or acceptor splice site typically lead to a loss of protein function (PMID: 16199547), and loss-of-function variants in DYNC2H1 are known to be pathogenic (PMID: 23339108, 32753734, 33755199). This variant is not present in population databases (gnomAD no frequency). This variant has not been reported in the literature in individuals affected with DYNC2H1-related conditions. Algorithms developed to predict the effect of sequence changes on RNA splicing suggest that this variant may disrupt the consensus splice site. In summary, the currently available evidence indicates that the variant is pathogenic, but additional data are needed to prove that conclusively. Therefore, this variant has been classified as Likely Pathogenic.

Literature cited by the submitters: PubMed 16199547; PubMed 23339108; PubMed 32753734; PubMed 33755199.

NM_001377.3(DYNC2H1):c.10207-2A>G

Gene: DYNC2H1 (dynein cytoplasmic 2 heavy chain 1; plus strand). Cytogenetic location: 11q22.3.
Variant type: single nucleotide variant.
Coding change: c.10207-2A>G on transcript NM_001377.3 (MANE Select); the canonical splice acceptor site of the intron before coding-DNA position 10207, A replaced by G.
Molecular consequence: splice acceptor variant.
Genome position (GRCh38, 1-based): chr11:103,255,413, A>G. VCF-style: chr11-103255413-A-G. GRCh37 (hg19) VCF-style: chr11-103126142-A-G.
Other names: c.10228-2A>G (NM_001080463.2).
Identifiers: ClinVar variation 4809891 (VCV004809891.1).